The following is an entry in ClinVar:

NM_000038.6(APC):c.2345A>C (p.Lys782Thr)

Gene: APC (APC regulator of Wnt signaling pathway; plus strand). Cytogenetic location: 5q22.2.
Variant type: single nucleotide variant.
Coding change: c.2345A>C on transcript NM_000038.6 (MANE Select); coding-DNA position 2345, A replaced by C.
Protein change: p.Lys782Thr; replaces lysine 782 with threonine.
Molecular consequence: missense variant. On other transcripts: non-coding transcript variant (2).
Genome position (GRCh38, 1-based): chr5:112,837,939, A>C. VCF-style: chr5-112837939-A-C. GRCh37 (hg19) VCF-style: chr5-112173636-A-C.
Other names: c.2345A>C, p.Lys782Thr (NM_001127510.3, NM_001354895.2, NM_001407450.1); c.2291A>C, p.Lys764Thr (NM_001127511.3); c.2399A>C, p.Lys800Thr (NM_001354896.2, NM_001407447.1, NM_001407448.1 and 1 more transcripts); c.2375A>C, p.Lys792Thr (NM_001354897.2); c.2270A>C, p.Lys757Thr (NM_001354898.2); c.2261A>C, p.Lys754Thr (NM_001354899.2); c.2222A>C, p.Lys741Thr (NM_001354900.2); c.2168A>C, p.Lys723Thr (NM_001354901.2, NM_001407453.1); and 11 more; short protein forms K398T, K653T, K723T, K757T, K656T, K681T, K691T, K741T.
Identifiers: ClinVar variation 2746869 (VCV002746869.3), dbSNP rs1554084082, ClinGen allele CA16026479.

ClinVar aggregate classification (germline): Uncertain significance (1 of 4 stars; one submission).

Conditions:
Familial adenomatous polyposis 1 (FAP1). Also called: FAMILIAL ADENOMATOUS POLYPOSIS 1, ATTENUATED; POLYPOSIS, ADENOMATOUS INTESTINAL. Identifiers: MedGen C2713442, MONDO:0021056, OMIM 175100. Disease mechanism: loss of function.

Submission:

Labcorp Genetics (formerly Invitae), Labcorp
Classification: Uncertain significance for Familial adenomatous polyposis 1. Last evaluated: 2023-07-25. Review status: criteria provided, single submitter. Criteria: Invitae Variant Classification Sherloc (09022015). Collection method: clinical testing. Allele origin: germline.
Comment: In summary, the available evidence is currently insufficient to determine the role of this variant in disease. Therefore, it has been classified as a Variant of Uncertain Significance. Advanced modeling of protein sequence and biophysical properties (such as structural, functional, and spatial information, amino acid conservation, physicochemical variation, residue mobility, and thermodynamic stability) performed at Invitae indicates that this missense variant is not expected to disrupt APC protein function. This variant has not been reported in the literature in individuals affected with APC-related conditions. This variant is not present in population databases (gnomAD no frequency). This sequence change replaces lysine, which is basic and polar, with threonine, which is neutral and polar, at codon 782 of the APC protein (p.Lys782Thr).